The following is an entry in ClinVar:

NM_031885.5(BBS2):c.1118A>G (p.His373Arg)

Gene: BBS2 (Bardet-Biedl syndrome 2; minus strand). Cytogenetic location: 16q13.
Variant type: single nucleotide variant.
Coding change: c.1118A>G on transcript NM_031885.5 (MANE Select); coding-DNA position 1118, A replaced by G.
Protein change: p.His373Arg; replaces histidine 373 with arginine.
Molecular consequence: missense variant. On other transcripts: non-coding transcript variant (5).
Genome position (GRCh38, 1-based): chr16:56,501,460, T>C on the plus strand (A>G on the coding strand, the complement: BBS2 is on the minus strand). VCF-style: chr16-56501460-T-C. GRCh37 (hg19) VCF-style: chr16-56535372-T-C.
Other names: c.1118A>G, p.His373Arg (NM_001377456.1); short protein forms H373R.
Identifiers: ClinVar variation 319859 (VCV000319859.6), dbSNP rs886052146, ClinGen allele CA10647776.
Genomic context (GRCh38, chr16:56,501,460, plus strand): 5'-TTCCCCAGGCTGACTGAGAGCGTGGTGTGGAGCCTGGTATTGGCTGGGATTATGCCCCGA[T>C]GCCCATCAGCCTCGTTCAGTGGACTGGCCAATTCAGCCTGCAAAACACCCCACCCATTTC-3'
Protein context (NP_114091.4, residues 363-383): LASPLNEADG[His373Arg]RGIIPANTRL

ClinVar aggregate classification (germline): Uncertain significance. Review status: criteria provided, multiple submitters, no conflicts (2 of 4 stars). 2 submissions from 2 submitters: Uncertain significance (2). Last evaluated 2022-08-04.

Conditions:
Bardet-Biedl syndrome (BBS). Identifiers: Orphanet 110, MedGen C0752166, MONDO:0015229.
Bardet-Biedl syndrome 2 (BBS2). Identifiers: Orphanet 110, MedGen C2936863, MONDO:0014432, OMIM 615981.

Allele frequency attached by ClinVar (database versions not stated): gnomAD exomes below 0.00001.
gnomAD v4.1: 1 of 1,614,156 alleles (0.000062%); highest among the groups gnomAD compares: Non-Finnish European, 0.000085%; no homozygotes.

Submissions (2):

Labcorp Genetics (formerly Invitae), Labcorp
Classification: Uncertain significance for Bardet-Biedl syndrome. Last evaluated: 2022-08-04. Review status: criteria provided, single submitter. Criteria: Invitae Variant Classification Sherloc (09022015). Collection method: clinical testing. Allele origin: germline.
Comment: This sequence change replaces histidine, which is basic and polar, with arginine, which is basic and polar, at codon 373 of the BBS2 protein (p.His373Arg). This variant is present in population databases (no rsID available, gnomAD 0.0009%). This variant has not been reported in the literature in individuals affected with BBS2-related conditions. ClinVar contains an entry for this variant (Variation ID: 319859). Algorithms developed to predict the effect of missense changes on protein structure and function (SIFT, PolyPhen-2, Align-GVGD) all suggest that this variant is likely to be tolerated. In summary, the available evidence is currently insufficient to determine the role of this variant in disease. Therefore, it has been classified as a Variant of Uncertain Significance.

Illumina Laboratory Services, Illumina
Classification: Uncertain significance for Bardet-Biedl syndrome 2. Last evaluated: 2018-01-12. Review status: criteria provided, single submitter. Criteria: ICSL Variant Classification Criteria 13 December 2019. Collection method: clinical testing. Allele origin: germline.